The following is an entry in ClinVar:

NM_000548.5(TSC2):c.4759T>A (p.Cys1587Ser)

Gene: TSC2 (TSC complex subunit 2; plus strand). Cytogenetic location: 16p13.3.
Variant type: single nucleotide variant.
Coding change: c.4759T>A on transcript NM_000548.5 (MANE Select); coding-DNA position 4759, T replaced by A.
Protein change: p.Cys1587Ser; replaces cysteine 1587 with serine.
Molecular consequence: missense variant. On other transcripts: non-coding transcript variant (5).
Genome position (GRCh38, 1-based): chr16:2,086,289, T>A. VCF-style: chr16-2086289-T-A. GRCh37 (hg19) VCF-style: chr16-2136290-T-A.
Other names: c.3283T>A, p.Cys1095Ser (NM_001406691.1); c.3217T>A, p.Cys1073Ser (NM_001406692.1, NM_001406693.1, NM_001406694.1); c.3214T>A, p.Cys1072Ser (NM_001406695.1, NM_001406696.1, NM_001406697.1); c.2956T>A, p.Cys986Ser (NM_001406698.1); c.4630T>A, p.Cys1544Ser (NM_021055.3, NM_001370405.1); c.4558T>A, p.Cys1520Ser (NM_001077183.3); c.4690T>A, p.Cys1564Ser (NM_001114382.3); c.4450T>A, p.Cys1484Ser (NM_001318827.2); and 26 more; short protein forms C1072S, C1073S, C1095S, C1096S, C1116S, C1320S, C1321S, C1343S.
Identifiers: ClinVar variation 4802888 (VCV004802888.1).

ClinVar aggregate classification (germline): Uncertain significance (1 of 4 stars; one submission).

Conditions:
Tuberous sclerosis 2 (TSC2). Identifiers: Orphanet 805, MedGen C1860707, MONDO:0013199, OMIM 613254.

Submission:

Labcorp Genetics (formerly Invitae), Labcorp
Classification: Uncertain significance for Tuberous sclerosis 2. Last evaluated: 2025-09-22. Review status: criteria provided, single submitter. Criteria: Invitae Variant Classification Sherloc (09022015). Collection method: clinical testing. Allele origin: germline.
Comment: This sequence change replaces cysteine, which is neutral and slightly polar, with serine, which is neutral and polar, at codon 1587 of the TSC2 protein (p.Cys1587Ser). This variant is not present in population databases (gnomAD no frequency). This variant has not been reported in the literature in individuals affected with TSC2-related conditions. Invitae Evidence Modeling of protein sequence and biophysical properties (such as structural, functional, and spatial information, amino acid conservation, physicochemical variation, residue mobility, and thermodynamic stability) indicates that this missense variant is not expected to disrupt TSC2 protein function with a negative predictive value of 95%. In summary, the available evidence is currently insufficient to determine the role of this variant in disease. Therefore, it has been classified as a Variant of Uncertain Significance.